The following is an entry in ClinVar:

NM_198253.3(TERT):c.2991G>A (p.Val997=)

Gene: TERT (telomerase reverse transcriptase; minus strand). Cytogenetic location: 5p15.33.
Variant type: single nucleotide variant.
Coding change: c.2991G>A on transcript NM_198253.3 (MANE Select); coding-DNA position 2991, G replaced by A.
Protein change: p.Val997=; no amino-acid change (valine 997 retained).
Molecular consequence: synonymous variant. On other transcripts: non-coding transcript variant (2).
Genome position (GRCh38, 1-based): chr5:1,258,639, C>T on the plus strand (G>A on the coding strand, the complement: TERT is on the minus strand). VCF-style: chr5-1258639-C-T. GRCh37 (hg19) VCF-style: chr5-1258754-C-T.
Other names: c.2802G>A, p.Val934= (NM_001193376.3).
Identifiers: ClinVar variation 242235 (VCV000242235.63), dbSNP rs376266401, ClinGen allele CA3184323.

ClinVar aggregate classification (germline): Conflicting classifications of pathogenicity. Review status: criteria provided, conflicting classifications (1 of 4 stars). 11 submissions from 8 submitters: Uncertain significance (2); Benign (2); Likely benign (7). Last evaluated 2026-09-01.

Conditions:
Dyskeratosis congenita, autosomal dominant 2. Identifiers: MedGen C3151443, MONDO:0013521, OMIM 613989.
Idiopathic Pulmonary Fibrosis. Also called: Idiopathic fibrosing alveolitis, chronic form; idiopathic fibrosing alveolitis. Identifiers: Orphanet 2032, MedGen C1800706, MeSH D054990, MONDO:0800504.
Melanoma, cutaneous malignant, susceptibility to, 9. Also called: Cutaneous malignant melanoma 9. Identifiers: Orphanet 618, MedGen C3554574, MONDO:0014056, OMIM 615134.
Dyskeratosis congenita. Identifiers: Orphanet 1775, MedGen C0265965, MONDO:0015780.
Pulmonary fibrosis and/or bone marrow failure, Telomere-related, 1. Also called: PULMONARY FIBROSIS AND/OR BONE MARROW FAILURE SYNDROME, TELOMERE-RELATED, 1. Identifiers: Orphanet 88, MedGen C3553617, MONDO:0013878, OMIM 614742.
Acute myeloid leukemia (AML). Also called: Acute myeloid leukemia, adult; AML adult; Acute non-lymphocytic leukemia; Acute granulocytic leukemia; Leukemia, acute myeloid, somatic; Leukemia, acute myelogenous, somatic. Identifiers: Orphanet 519, MedGen C0023467, MeSH D015470, MONDO:0018874, OMIM 601626, HP:0004808. Disease mechanism: Constitutively activated FLT3.
Aplastic anemia. Identifiers: Orphanet 182040, Orphanet 88, MedGen C0002874, MONDO:0015909, OMIM 609135, HP:0001915.

Allele frequency attached by ClinVar (database versions not stated): ESP Exome Variant Server 0.00008; gnomAD exomes 0.00025 and 0.00028; TOPMed 0.00026; gnomAD 0.00029 and 0.00030; 1000 Genomes Project 30x 0.00031; ExAC 0.00036; 1000 Genomes Project 0.00040.
gnomAD v4.1: 430 of 1,571,496 alleles (0.027%); highest among the groups gnomAD compares: Admixed American, 0.065%; no homozygotes.

Submissions (11):

CeGaT Center for Human Genetics Tuebingen
Classification: Likely benign. Last evaluated: 2026-09-01. Review status: criteria provided, single submitter. Criteria: CeGaT Center For Human Genetics Tuebingen Variant Classification Criteria Version 2. Collection method: clinical testing. Allele origin: germline. Affected: yes. Observed: 3 variant alleles.
Comment: TERT: BP4, BP7

Labcorp Genetics (formerly Invitae), Labcorp
Classification: Likely benign for Dyskeratosis congenita, autosomal dominant 2; Idiopathic Pulmonary Fibrosis. Last evaluated: 2026-01-26. Review status: criteria provided, single submitter. Criteria: Invitae Variant Classification Sherloc (09022015). Collection method: clinical testing. Allele origin: germline.

KCCC/NGS Laboratory, Kuwait Cancer Control Center
Classification: Benign for Melanoma, cutaneous malignant, susceptibility to, 9. Last evaluated: 2025-02-01. Review status: criteria provided, single submitter. Criteria: ACMG Guidelines, 2015. Collection method: clinical testing. Allele origin: germline. Affected: no.

Blueprint Genetics
Classification: Likely benign. Last evaluated: 2024-10-30. Review status: criteria provided, single submitter. Criteria: ACMG Guidelines, 2015. Collection method: clinical testing. Allele origin: germline.

KCCC/NGS Laboratory, Kuwait Cancer Control Center
Classification: Likely benign for Acute myeloid leukemia. Last evaluated: 2023-07-07. Review status: criteria provided, single submitter. Criteria: ACMG Guidelines, 2015. Collection method: clinical testing. Allele origin: germline. Affected: yes.

Sema4
Classification: Likely benign for Dyskeratosis congenita. Last evaluated: 2021-09-30. Review status: criteria provided, single submitter. Criteria: Sema4 Curation Guidelines. Collection method: curation. Allele origin: germline.

Genetic Services Laboratory, University of Chicago
Classification: Likely benign. Last evaluated: 2018-08-30. Review status: criteria provided, single submitter. Criteria: ACMG Guidelines, 2015. Collection method: clinical testing. Allele origin: germline. Affected: no.

Illumina Laboratory Services, Illumina
Classification: Benign for Pulmonary fibrosis and/or bone marrow failure, Telomere-related, 1. Last evaluated: 2018-01-13. Review status: criteria provided, single submitter. Criteria: ICSL Variant Classification Criteria 13 December 2019. Collection method: clinical testing. Allele origin: germline.
Comment: This variant was observed in the ICSL laboratory as part of a predisposition screen in an ostensibly healthy population. It had not been previously curated by ICSL or reported in the Human Gene Mutation Database (HGMD: prior to June 1st, 2018), and was therefore a candidate for classification through an automated scoring system. Utilizing variant allele frequency, disease prevalence and penetrance estimates, and inheritance mode, an automated score was calculated to assess if this variant is too frequent to cause the disease. Based on the score and internal cut-off values, a variant classified as benign is not then subjected to further curation. The score for this variant resulted in a classification of benign for this disease.

Illumina Laboratory Services, Illumina
Classification: Uncertain significance for Dyskeratosis congenita, autosomal dominant 2. Last evaluated: 2018-01-13. Review status: criteria provided, single submitter. Criteria: ICSL Variant Classification Criteria 13 December 2019. Collection method: clinical testing. Allele origin: germline.

Illumina Laboratory Services, Illumina
Classification: Uncertain significance for Aplastic anemia. Last evaluated: 2018-01-13. Review status: criteria provided, single submitter. Criteria: ICSL Variant Classification Criteria 13 December 2019. Collection method: clinical testing. Allele origin: germline.

Ambry Genetics
Classification: Likely benign for Dyskeratosis congenita. Last evaluated: 2016-09-15. Review status: criteria provided, single submitter. Criteria: Ambry Variant Classification Scheme 2023. Collection method: clinical testing. Allele origin: germline.